The following is an entry in ClinVar:

NM_000059.4(BRCA2):c.805A>C (p.Thr269Pro)

Gene: BRCA2 (BRCA2 DNA repair associated; plus strand). Cytogenetic location: 13q13.1.
Variant type: single nucleotide variant.
Coding change: c.805A>C on transcript NM_000059.4 (MANE Select); coding-DNA position 805, A replaced by C.
Protein change: p.Thr269Pro; replaces threonine 269 with proline.
Molecular consequence: missense variant.
Genome position (GRCh38, 1-based): chr13:32,332,283, A>C. VCF-style: chr13-32332283-A-C. GRCh37 (hg19) VCF-style: chr13-32906420-A-C.
Other names: c.805A>C, p.Thr269Pro (NM_001406719.1, NM_001406720.1, NM_001406721.1); short protein forms T269P.
Identifiers: ClinVar variation 1715079 (VCV001715079.7), dbSNP rs1217128211, ClinGen allele CA387760371.

ClinVar aggregate classification (germline): Conflicting classifications of pathogenicity. Review status: criteria provided, conflicting classifications (1 of 4 stars). 2 submissions from 2 submitters: Uncertain significance (1); Likely benign (1). Last evaluated 2023-03-23.

Conditions:
Hereditary breast ovarian cancer syndrome. Also called: Hereditary breast and ovarian cancer syndrome; Hereditary breast and ovarian cancer syndrome (HBOC); Breast and ovarian cancer; Hereditary breast and/or ovarian cancer syndrome; Hereditary breast and ovarian cancer; BRCA1- and BRCA2-Associated Hereditary Breast and Ovarian Cancer. Identifiers: Orphanet 145, MedGen C0677776, MeSH D061325, MONDO:0003582. Disease mechanism: loss of function.
Hereditary cancer-predisposing syndrome. Also called: Neoplastic Syndromes, Hereditary; Tumor predisposition; Hereditary Cancer Syndrome; Hereditary neoplastic syndrome. Identifiers: Orphanet 140162, MedGen C0027672, MeSH D009386, MONDO:0015356.

Submissions (2):

University of Washington Department of Laboratory Medicine, University of Washington
Classification: Likely benign for Hereditary cancer-predisposing syndrome. Last evaluated: 2023-03-23. Review status: criteria provided, single submitter. Criteria: Dines et al. (Genet Med. 2020). Collection method: curation. Allele origin: germline.
Comment: Missense variant in a coldspot region where missense variants are very unlikely to be pathogenic (PMID:31911673).

BRCA2 exon 10 coldspot. Reclassification based on statistical prior probability.

Labcorp Genetics (formerly Invitae), Labcorp
Classification: Uncertain significance for Hereditary breast ovarian cancer syndrome. Last evaluated: 2022-08-05. Review status: criteria provided, single submitter. Criteria: Invitae Variant Classification Sherloc (09022015). Collection method: clinical testing. Allele origin: germline.
Comment: This sequence change replaces threonine, which is neutral and polar, with proline, which is neutral and non-polar, at codon 269 of the BRCA2 protein (p.Thr269Pro). This variant is not present in population databases (gnomAD no frequency). This variant has not been reported in the literature in individuals affected with BRCA2-related conditions. Advanced modeling of protein sequence and biophysical properties (such as structural, functional, and spatial information, amino acid conservation, physicochemical variation, residue mobility, and thermodynamic stability) performed at Invitae indicates that this missense variant is not expected to disrupt BRCA2 protein function. In summary, the available evidence is currently insufficient to determine the role of this variant in disease. Therefore, it has been classified as a Variant of Uncertain Significance.